The following is an entry in ClinVar:

NM_020771.4(HACE1):c.939T>C (p.Tyr313=)

Gene: HACE1 (HECT domain and ankyrin repeat containing E3 ubiquitin protein ligase 1; minus strand). Cytogenetic location: 6q16.3.
Variant type: single nucleotide variant.
Coding change: c.939T>C on transcript NM_020771.4 (MANE Select); coding-DNA position 939, T replaced by C.
Protein change: p.Tyr313=; no amino-acid change (tyrosine 313 retained).
Molecular consequence: synonymous variant. On other transcripts: non-coding transcript variant (7).
Genome position (GRCh38, 1-based): chr6:104,791,639, A>G on the plus strand (T>C on the coding strand, the complement: HACE1 is on the minus strand). VCF-style: chr6-104791639-A-G. GRCh37 (hg19) VCF-style: chr6-105239514-A-G.
Other names: c.807T>C, p.Tyr269= (NM_001321080.2); c.837T>C, p.Tyr279= (NM_001321083.2); c.435T>C, p.Tyr145= (NM_001321084.2, NM_001350557.2, NM_001350558.2); c.705T>C, p.Tyr235= (NM_001350554.2); c.648T>C, p.Tyr216= (NM_001350555.2); c.453T>C, p.Tyr151= (NM_001350556.2); c.357T>C, p.Tyr119= (NM_001350559.2); c.156T>C, p.Tyr52= (NM_001350560.2).
Identifiers: ClinVar variation 3049501 (VCV003049501.2), dbSNP rs144806716, ClinGen allele CA3940387.

ClinVar aggregate classification (germline): Likely benign (0 of 4 stars; one submission).

Conditions:
HACE1-related disorder. Also called: HACE1-related condition.

Allele frequency attached by ClinVar (database versions not stated): ExAC 0.00001; gnomAD exomes 0.00001; gnomAD 0.00002; TOPMed 0.00003; ESP Exome Variant Server 0.00008.
gnomAD v4.1: 16 of 1,608,572 alleles (0.00099%); highest among the groups gnomAD compares: Non-Finnish European, 0.0013%; no homozygotes.

Submission:

PreventionGenetics, part of Exact Sciences
Classification: Likely benign for HACE1-related condition. Last evaluated: 2019-07-12. Review status: no assertion criteria provided. Collection method: clinical testing. Allele origin: germline.
Comment: This variant is classified as likely benign based on ACMG/AMP sequence variant interpretation guidelines (Richards et al. 2015 PMID: 25741868, with internal and published modifications).